The following is an entry in ClinVar:

ClinVar aggregate classification (germline): Benign/Likely benign. Review status: criteria provided, multiple submitters, no conflicts (2 of 4 stars). 2 submissions from 2 submitters: Benign (1); Likely benign (1). Last evaluated 2024-01-01.

Allele frequency attached by ClinVar (database versions not stated): ExAC 0.00025; 1000 Genomes Project 0.00026; gnomAD 0.00026; gnomAD exomes 0.00026 and 0.00064; TOPMed 0.00032; 1000 Genomes Project 30x 0.00042; ESP Exome Variant Server 0.00066.
gnomAD v4.1: 726 of 1,209,708 alleles (0.06%); highest among the groups gnomAD compares: Non-Finnish European, 0.077%; 1 homozygote.

Submissions (2):

CeGaT Center for Human Genetics Tuebingen
Classification: Likely benign. Last evaluated: 2024-01-01. Review status: criteria provided, single submitter. Criteria: CeGaT Center For Human Genetics Tuebingen Variant Classification Criteria Version 2. Collection method: clinical testing. Allele origin: germline. Affected: yes. Observed: 2 variant alleles.
Comment: ZDHHC15: BP4, BP7, BS2

Genetic Services Laboratory, University of Chicago
Classification: Benign. Last evaluated: 2017-12-18. Review status: criteria provided, single submitter. Criteria: ACMG Guidelines, 2015. Collection method: clinical testing. Allele origin: germline. Affected: no.

NM_144969.3(ZDHHC15):c.1008A>G (p.Glu336=)

Gene: ZDHHC15 (zDHHC palmitoyltransferase 15; minus strand). Cytogenetic location: Xq13.3.
Variant type: single nucleotide variant.
Coding change: c.1008A>G on transcript NM_144969.3 (MANE Select); coding-DNA position 1008, A replaced by G.
Protein change: p.Glu336=; no amino-acid change (glutamic acid 336 retained).
Molecular consequence: synonymous variant.
Genome position (GRCh38, 1-based): chrX:75,379,158, T>C on the plus strand (A>G on the coding strand, the complement: ZDHHC15 is on the minus strand). VCF-style: chrX-75379158-T-C. GRCh37 (hg19) VCF-style: chrX-74598993-T-C.
Other names: c.981A>G, p.Glu327= (NM_001146256.2).
Identifiers: ClinVar variation 212628 (VCV000212628.31), dbSNP rs144128364, ClinGen allele CA205816.